The following is an entry in ClinVar:

ClinVar aggregate classification (germline): Benign. Review status: criteria provided, single submitter (1 of 4 stars). 2 submissions from 2 submitters: Benign (1). 1 of the submissions does not count toward it. Last evaluated 2019-12-31.

Conditions:
ITPR3-related disorder. Also called: ITPR3-related condition.

Allele frequency attached by ClinVar (database versions not stated): gnomAD exomes 0.00113 and 0.00043; ESP Exome Variant Server 0.00569; ExAC 0.00153; 1000 Genomes Project 0.00439; 1000 Genomes Project 30x 0.00453; TOPMed 0.00459; gnomAD 0.00407 and 0.00434.
gnomAD v4.1: 1,259 of 1,614,164 alleles (0.078%); highest among the groups gnomAD compares: African/African-American, 1.5%; 8 homozygotes.

Submissions (2):

Labcorp Genetics (formerly Invitae), Labcorp
Classification: Benign. Last evaluated: 2019-12-31. Review status: criteria provided, single submitter. Criteria: Invitae Variant Classification Sherloc (09022015). Collection method: clinical testing. Allele origin: germline.

PreventionGenetics, part of Exact Sciences
Classification: Benign for ITPR3-related condition. Last evaluated: 2019-02-20. Review status: no assertion criteria provided. Collection method: clinical testing. Allele origin: germline. Not counted in ClinVar's aggregate classification.
Comment: This variant is classified as benign based on ACMG/AMP sequence variant interpretation guidelines (Richards et al. 2015 PMID: 25741868, with internal and published modifications).

NM_002224.4(ITPR3):c.1121T>G (p.Leu374Trp)

Gene: ITPR3 (inositol 1,4,5-trisphosphate receptor type 3; plus strand). Cytogenetic location: 6p21.31.
Variant type: single nucleotide variant.
Coding change: c.1121T>G on transcript NM_002224.4 (MANE Select); coding-DNA position 1121, T replaced by G.
Protein change: p.Leu374Trp; replaces leucine 374 with tryptophan.
Molecular consequence: missense variant.
Genome position (GRCh38, 1-based): chr6:33,663,853, T>G. VCF-style: chr6-33663853-T-G. GRCh37 (hg19) VCF-style: chr6-33631630-T-G.
Other names: short protein forms L374W.
Identifiers: ClinVar variation 723833 (VCV000723833.6), dbSNP rs2229646, ClinGen allele CA3760159.